The following is an entry in ClinVar:

NM_000593.6(TAP1):c.2131C>G (p.His711Asp)

Genes: PSMB8-AS1 (PSMB8 antisense RNA 1; plus strand), TAP1 (transporter 1, ATP binding cassette subfamily B member; minus strand). Cytogenetic location: 6p21.32.
Variant type: single nucleotide variant.
Coding change: c.2131C>G on transcript NM_000593.6 (MANE Select); coding-DNA position 2131, C replaced by G.
Protein change: p.His711Asp; replaces histidine 711 with aspartic acid.
Molecular consequence: missense variant. On other transcripts: non-coding transcript variant (4).
Genome position (GRCh38, 1-based): chr6:32,845,695, G>C on the plus strand (C>G on the coding strand, the complement: TAP1 is on the minus strand). VCF-style: chr6-32845695-G-C. GRCh37 (hg19) VCF-style: chr6-32813472-G-C.
Other names: c.1528C>G, p.His510Asp (NM_001292022.2); short protein forms H771D, H510D, H711D.
Identifiers: ClinVar variation 569257 (VCV000569257.12), dbSNP rs752812686, ClinGen allele CA3746573.

ClinVar aggregate classification (germline): Uncertain significance. Review status: criteria provided, multiple submitters, no conflicts (2 of 4 stars). 2 submissions from 2 submitters: Uncertain significance (2). Last evaluated 2023-10-13.

Conditions:
MHC class I deficiency. Identifiers: Orphanet 34592, MedGen C6024714, MONDO:0011476.

Allele frequency attached by ClinVar (database versions not stated): gnomAD 0.00001; gnomAD exomes 0.00001 and 0.00002; TOPMed 0.00001; ExAC 0.00002.
gnomAD v4.1: 8 of 1,612,958 alleles (0.0005%); highest among the groups gnomAD compares: Non-Finnish European, 0.00068%; no homozygotes.

Submissions (2):

Labcorp Genetics (formerly Invitae), Labcorp
Classification: Uncertain significance for MHC class I deficiency 1. Last evaluated: 2023-10-13. Review status: criteria provided, single submitter. Criteria: Invitae Variant Classification Sherloc (09022015). Collection method: clinical testing. Allele origin: germline.
Comment: This sequence change replaces histidine, which is basic and polar, with aspartic acid, which is acidic and polar, at codon 771 of the TAP1 protein (p.His771Asp). This variant is present in population databases (rs752812686, gnomAD 0.006%). This variant has not been reported in the literature in individuals affected with TAP1-related conditions. ClinVar contains an entry for this variant (Variation ID: 569257). An algorithm developed to predict the effect of missense changes on protein structure and function (PolyPhen-2) suggests that this variant is likely to be disruptive. In summary, the available evidence is currently insufficient to determine the role of this variant in disease. Therefore, it has been classified as a Variant of Uncertain Significance.

Blueprint Genetics
Classification: Uncertain significance. Last evaluated: 2023-03-20. Review status: criteria provided, single submitter. Criteria: ACMG Guidelines, 2015. Collection method: clinical testing. Allele origin: germline.